The following is an entry in ClinVar:

ClinVar aggregate classification (germline): Pathogenic (1 of 4 stars; one submission).

Conditions:
Polycystic kidney disease, adult type (PKD1). Also called: POLYCYSTIC KIDNEY DISEASE, ADULT, TYPE I; Polycystic Kidney Disease 1, Autosomal Dominant; Polycystic kidney disease 1; Polycystic kidney disease 1, severe; Polycystic Kidney, Autosomal Dominant; POLYCYSTIC KIDNEY DISEASE 1 WITH OR WITHOUT POLYCYSTIC LIVER DISEASE. Identifiers: MedGen C3149841, MONDO:0008263, OMIM 173900.

Submission:

MVZ Medizinische Genetik Mainz
Classification: Pathogenic for Polycystic kidney disease, adult type. Last evaluated: 2025-05-12. Review status: criteria provided, single submitter. Criteria: UK Practice Guidelines For Variant Classification V4 01 2020. Collection method: clinical testing. Allele origin: germline. Inheritance: Autosomal dominant inheritance. Affected: yes. Observed: 1 variant allele.
Comment: ACMG Criteria: PVS1,PS4_SUP,PM2_SUP,PP4

NM_001009944.3(PKD1):c.10144dup (p.Thr3382fs)

Gene: PKD1 (polycystin 1, transient receptor potential channel interacting; minus strand). Cytogenetic location: 16p13.3.
Variant type: Duplication.
Coding change: c.10144dup on transcript NM_001009944.3 (MANE Select); coding-DNA position 10144, one base duplicated (A; older notation c.10144dupA).
Protein change: p.Thr3382fs; shifts the reading frame from threonine 3382.
Molecular consequence: frameshift variant.
Genome position (GRCh38, 1-based): chr16:2,097,891, T duplicated on the plus strand (A on the coding strand, the reverse complement: PKD1 is on the minus strand). VCF-style (leftmost placement, unchanged base first): chr16-2097890-G-GT. GRCh37 (hg19) VCF-style: chr16-2147891-G-GT.
Other names: c.10144dup, p.Thr3382fs (NM_000296.4); short protein forms T3382fs.
Identifiers: ClinVar variation 4857264 (VCV004857264.1).
Genomic context (GRCh38, chr16:2,097,890, plus strand): 5'-CCCCCAGCCCAGCCCAGGACCCCCAGTAGAGTCCTCACCTCAGCGTGGAGGCCTGAGAAC[G>GT]TGAGGAAGGAGCTGTCCAGCACGGACGAGTCCAGGCAGCTGTCGATGTCCAGCACCTGCT-3'